The following is an entry in ClinVar:

ClinVar aggregate classification (germline): Uncertain significance. Review status: criteria provided, multiple submitters, no conflicts (2 of 4 stars). 2 submissions from 2 submitters: Uncertain significance (2). Last evaluated 2024-07-13.

Submissions (2):

Ambry Genetics
Classification: Uncertain significance. Last evaluated: 2024-07-13. Review status: criteria provided, single submitter. Criteria: Ambry Variant Classification Scheme 2023. Collection method: clinical testing. Allele origin: germline.
Comment: The p.S27L variant (also known as c.80C>T), located in coding exon 1 of the FAM175A gene, results from a C to T substitution at nucleotide position 80. The serine at codon 27 is replaced by leucine, an amino acid with dissimilar properties. This amino acid position is conserved. In addition, this alteration is predicted to be tolerated by in silico analysis. Based on the available evidence, the clinical significance of this variant remains unclear.

Labcorp Genetics (formerly Invitae), Labcorp
Classification: Uncertain significance. Last evaluated: 2023-05-08. Review status: criteria provided, single submitter. Criteria: Invitae Variant Classification Sherloc (09022015). Collection method: clinical testing. Allele origin: germline.
Comment: In summary, the available evidence is currently insufficient to determine the role of this variant in disease. Therefore, it has been classified as a Variant of Uncertain Significance. Advanced modeling of protein sequence and biophysical properties (such as structural, functional, and spatial information, amino acid conservation, physicochemical variation, residue mobility, and thermodynamic stability) performed at Invitae indicates that this missense variant is not expected to disrupt ABRAXAS1 protein function. This variant has not been reported in the literature in individuals affected with ABRAXAS1-related conditions. This variant is not present in population databases (gnomAD no frequency). This sequence change replaces serine, which is neutral and polar, with leucine, which is neutral and non-polar, at codon 27 of the ABRAXAS1 protein (p.Ser27Leu).

NM_139076.3(ABRAXAS1):c.80C>T (p.Ser27Leu)

Genes: ABRAXAS1 (abraxas 1, BRCA1 A complex subunit; minus strand), LOC129992784 (ATAC-STARR-seq lymphoblastoid silent region 15542; plus strand). Cytogenetic location: 4q21.23.
Variant type: single nucleotide variant.
Coding change: c.80C>T on transcript NM_139076.3 (MANE Select); coding-DNA position 80, C replaced by T.
Protein change: p.Ser27Leu; replaces serine 27 with leucine.
Molecular consequence: missense variant. On other transcripts: 5 prime UTR variant (1).
Genome position (GRCh38, 1-based): chr4:83,484,993, G>A on the plus strand (C>T on the coding strand, the complement: ABRAXAS1 is on the minus strand). VCF-style: chr4-83484993-G-A. GRCh37 (hg19) VCF-style: chr4-84406146-G-A.
Other names: c.80C>T (NM_139076.2); c.-181C>T (NM_001345962.2); short protein forms S27L.
Identifiers: ClinVar variation 2873835 (VCV002873835.4), dbSNP rs2529472551, ClinGen allele CA357263882.